The following is an entry in ClinVar:

NM_004727.3(SLC24A1):c.2165C>T (p.Ala722Val)

Gene: SLC24A1 (solute carrier family 24 member 1; plus strand). Cytogenetic location: 15q22.31.
Variant type: single nucleotide variant.
Coding change: c.2165C>T on transcript NM_004727.3 (MANE Select); coding-DNA position 2165, C replaced by T.
Protein change: p.Ala722Val; replaces alanine 722 with valine.
Molecular consequence: missense variant.
Genome position (GRCh38, 1-based): chr15:65,645,636, C>T. VCF-style: chr15-65645636-C-T. GRCh37 (hg19) VCF-style: chr15-65937974-C-T.
Other names: c.2165C>T (NM_004727.2); c.146C>T, p.Ala49Val (NM_001254740.2); c.2165C>T, p.Ala722Val (NM_001301031.1); c.2111C>T, p.Ala704Val (NM_001301032.1, NM_001301033.2); short protein forms A704V, A49V, A722V.
Identifiers: ClinVar variation 1520844 (VCV001520844.8), dbSNP rs370278976, ClinGen allele CA7620107.

ClinVar aggregate classification (germline): Uncertain significance. Review status: criteria provided, multiple submitters, no conflicts (2 of 4 stars). 3 submissions from 3 submitters: Uncertain significance (3). Last evaluated 2024-02-28.

Conditions:
Inborn genetic diseases. Identifiers: MedGen C0950123, MeSH D030342.

Allele frequency attached by ClinVar (database versions not stated): gnomAD exomes 0.00001; gnomAD 0.00002 and 0.00003; TOPMed 0.00005; 1000 Genomes Project 30x 0.00016.
gnomAD v4.1: 19 of 1,574,774 alleles (0.0012%); highest among the groups gnomAD compares: Non-Finnish European, 0.0013%; no homozygotes.

Submissions (3):

Ambry Genetics
Classification: Uncertain significance for Inborn genetic diseases. Last evaluated: 2024-02-28. Review status: criteria provided, single submitter. Criteria: Ambry Variant Classification Scheme 2023. Collection method: clinical testing. Allele origin: germline.

Blueprint Genetics
Classification: Uncertain significance. Last evaluated: 2022-03-18. Review status: criteria provided, single submitter. Criteria: ACMG Guidelines, 2015. Collection method: clinical testing. Allele origin: germline.

Labcorp Genetics (formerly Invitae), Labcorp
Classification: Uncertain significance. Last evaluated: 2022-03-10. Review status: criteria provided, single submitter. Criteria: Invitae Variant Classification Sherloc (09022015). Collection method: clinical testing. Allele origin: germline.
Comment: In summary, the available evidence is currently insufficient to determine the role of this variant in disease. Therefore, it has been classified as a Variant of Uncertain Significance. Algorithms developed to predict the effect of sequence changes on RNA splicing suggest that this variant may disrupt the consensus splice site. Algorithms developed to predict the effect of missense changes on protein structure and function output the following: SIFT: "Tolerated"; PolyPhen-2: "Benign"; Align-GVGD: "Class C0". The valine amino acid residue is found in multiple mammalian species, which suggests that this missense change does not adversely affect protein function. This variant has not been reported in the literature in individuals affected with SLC24A1-related conditions. The frequency data for this variant in the population databases is considered unreliable, as metrics indicate poor data quality at this position in the gnomAD database. This sequence change replaces alanine, which is neutral and non-polar, with valine, which is neutral and non-polar, at codon 722 of the SLC24A1 protein (p.Ala722Val).